The following is an entry in ClinVar:

NM_178857.6(RP1L1):c.755G>C (p.Ser252Thr)

Gene: RP1L1 (RP1 like 1). Cytogenetic location: 8p23.1.
Variant type: single nucleotide variant.
Coding change: c.755G>C on transcript NM_178857.6 (MANE Select); coding-DNA position 755, G replaced by C.
Protein change: p.Ser252Thr; replaces serine 252 with threonine.
Molecular consequence: missense variant.
Genome position (GRCh38, 1-based): chr8:10,613,343, C>G on the plus strand (G>C on the coding strand, the complement: RP1L1 is on the minus strand). VCF-style: chr8-10613343-C-G. GRCh37 (hg19) VCF-style: chr8-10470853-C-G.
Other names: short protein forms S252T.
Identifiers: ClinVar variation 2502587 (VCV002502587.1), dbSNP rs1797912506, ClinGen allele CA370298313.

ClinVar aggregate classification (germline): Uncertain significance (1 of 4 stars; one submission).

Allele frequency attached by ClinVar (database versions not stated): TOPMed 0.00001.
gnomAD v4.1: 1 of 1,599,844 alleles (0.000063%); no homozygotes.

Submission:

GeneDx
Classification: Uncertain significance. Last evaluated: 2022-11-22. Review status: criteria provided, single submitter. Criteria: GeneDx Variant Classification Process June 2021. Collection method: clinical testing. Allele origin: germline. Affected: yes.
Comment: Not observed at significant frequency in large population cohorts (gnomAD); In silico analysis supports that this missense variant does not alter protein structure/function; Has not been previously published as pathogenic or benign to our knowledge